The following is an entry in ClinVar:

NM_001034853.2(RPGR):c.1245G>A (p.Arg415=)

Gene: RPGR (retinitis pigmentosa GTPase regulator; minus strand). Cytogenetic location: Xp11.4.
Variant type: single nucleotide variant.
Coding change: c.1245G>A on transcript NM_001034853.2 (MANE Select); coding-DNA position 1245, G replaced by A.
Protein change: p.Arg415=; no amino-acid change (arginine 415 retained).
Molecular consequence: synonymous variant. On other transcripts: non-coding transcript variant (6), intron variant (2).
Genome position (GRCh38, 1-based): chrX:38,298,956, C>T on the plus strand (G>A on the coding strand, the complement: RPGR is on the minus strand). VCF-style: chrX-38298956-C-T. GRCh37 (hg19) VCF-style: chrX-38158209-C-T.
Other names: c.1245G>A, p.Arg415= (NM_000328.3, NM_001367247.1); c.1242G>A, p.Arg414= (NM_001367245.1, NM_001367249.1, NM_001367250.1); c.1275G>A, p.Arg425= (NM_001367248.1); c.1060-1504G>A (NM_001367251.1, NM_001367246.1).
Identifiers: ClinVar variation 2130761 (VCV002130761.5), dbSNP rs2519828558, ClinGen allele CA515648231.

ClinVar aggregate classification (germline): Uncertain significance (1 of 4 stars; one submission).

Conditions:
Primary ciliary dyskinesia. Also called: Ciliary dyskinesia. Identifiers: Orphanet 244, MedGen C0008780, MONDO:0016575, HP:0012265.

Submissions (3):

Labcorp Genetics (formerly Invitae), Labcorp
Classification: Uncertain significance for Primary ciliary dyskinesia. Last evaluated: 2022-04-25. Review status: criteria provided, single submitter. Criteria: Invitae Variant Classification Sherloc (09022015). Collection method: clinical testing. Allele origin: germline.
Comment: This variant has not been reported in the literature in individuals affected with RPGR-related conditions. In summary, the available evidence is currently insufficient to determine the role of this variant in disease. Therefore, it has been classified as a Variant of Uncertain Significance. Variants that disrupt the consensus splice site are a relatively common cause of aberrant splicing (PMID: 17576681, 9536098). Algorithms developed to predict the effect of sequence changes on RNA splicing suggest that this variant may disrupt the consensus splice site. This variant is not present in population databases (gnomAD no frequency). This sequence change affects codon 415 of the RPGR mRNA. It is a 'silent' change, meaning that it does not change the encoded amino acid sequence of the RPGR protein. This variant also falls at the last nucleotide of exon 10, which is part of the consensus splice site for this exon.

Dr. Peter K. Rogan Lab, Western University
No classification provided (evidence only). Condition: Thyroid cancer, nonmedullary, 1. Review status: no classification provided. Collection method: in vitro. Allele origin: not applicable. Functional consequence: retained intron. Not counted in ClinVar's aggregate classification.

Dr. Peter K. Rogan Lab, Western University
No classification provided (evidence only). Condition: Thyroid cancer, nonmedullary, 1. Review status: no classification provided. Collection method: in vitro. Allele origin: not applicable. Functional consequence: retained intron. Not counted in ClinVar's aggregate classification.

Literature cited by the submitters: PubMed 17576681 (cited by Labcorp Genetics (formerly Invitae), Labcorp); PubMed 9536098 (cited by Labcorp Genetics (formerly Invitae), Labcorp).